The following is an entry in ClinVar:

NM_005559.4(LAMA1):c.1716C>T (p.Pro572=)

Gene: LAMA1 (laminin subunit alpha 1; minus strand). Cytogenetic location: 18p11.31.
Variant type: single nucleotide variant.
Coding change: c.1716C>T on transcript NM_005559.4 (MANE Select); coding-DNA position 1716, C replaced by T.
Protein change: p.Pro572=; no amino-acid change (proline 572 retained).
Molecular consequence: synonymous variant.
Genome position (GRCh38, 1-based): chr18:7,037,599, G>A on the plus strand (C>T on the coding strand, the complement: LAMA1 is on the minus strand). VCF-style: chr18-7037599-G-A. GRCh37 (hg19) VCF-style: chr18-7037598-G-A.
Other names: p.Pro572=.
Identifiers: ClinVar variation 771504 (VCV000771504.13), dbSNP rs144105602, ClinGen allele CA8882914.
Genomic context (GRCh38, chr18:7,037,599, plus strand): 5'-CTTCATCTGAGACATCGCTACCTGCAGGGTCACACGCACCTTATTTCCAAGGTAGGCCTC[G>A]GGGGCTGCCCAGTAGTACTTGGGAGCCAGTCTCTGCATGACCGCGGTGTTGTTGATGCTG-3'
Protein context (NP_005550.2, residues 562-582): RLAPKYYWAA[Pro572=]EAYLGNKLTA

ClinVar aggregate classification (germline): Benign. Review status: criteria provided, multiple submitters, no conflicts (2 of 4 stars). 3 submissions from 3 submitters: Benign (3). Last evaluated 2026-01-27.

Allele frequency attached by ClinVar (database versions not stated): 1000 Genomes Project 30x 0.00625; ExAC 0.00353; ESP Exome Variant Server 0.00038; gnomAD 0.00118 and 0.00225; TOPMed 0.00264; 1000 Genomes Project 0.00519; gnomAD exomes 0.00525.
gnomAD v4.1: 2,057 of 1,613,964 alleles (0.13%); highest among the groups gnomAD compares: Admixed American, 3.1%; 63 homozygotes.

Submissions (3):

Labcorp Genetics (formerly Invitae), Labcorp
Classification: Benign. Last evaluated: 2026-01-27. Review status: criteria provided, single submitter. Criteria: Invitae Variant Classification Sherloc (09022015). Collection method: clinical testing. Allele origin: germline.

Mayo Clinic Laboratories, Mayo Clinic
Classification: Benign. Last evaluated: 2023-11-22. Review status: criteria provided, single submitter. Criteria: ACMG Guidelines, 2015. Collection method: clinical testing. Allele origin: germline. Observed: 2 variant alleles.
Comment: BS1, BS2, BP4, BP7

Breakthrough Genomics
Classification: Benign. Review status: criteria provided, single submitter. Criteria: ACMG Guidelines, 2015. Collection method: not provided. Allele origin: germline. Inheritance: Autosomal recessive inheritance. Affected: yes.